The following is an entry in ClinVar:

ClinVar aggregate classification (germline): Uncertain significance (1 of 4 stars; one submission).

Conditions:
ALMS1-related disorder. Also called: ALMS1-related condition.

Allele frequency attached by ClinVar (database versions not stated): TOPMed below 0.00001.

Submission:

PreventionGenetics, part of Exact Sciences
Classification: Uncertain significance for ALMS1-related condition. Last evaluated: 2023-09-12. Review status: criteria provided, single submitter. Criteria: ACMG Guidelines, 2015. Collection method: clinical testing. Allele origin: germline.
Comment: The ALMS1 c.3490C>T variant is predicted to result in the amino acid substitution p.Pro1164Ser. To our knowledge, this variant has not been reported in the literature. This variant is reported in 0.13% of alleles in individuals of Latino descent in gnomAD, including one homozygote, which may be too common to be a primary cause of disease. Although we suspect that this variant may be benign, at this time, the clinical significance of this variant is uncertain due to the absence of conclusive functional and genetic evidence.

NM_001378454.1(ALMS1):c.3487C>T (p.His1163Tyr)

Gene: ALMS1 (ALMS1 centrosome and basal body associated protein; plus strand). Cytogenetic location: 2p13.1.
Variant type: single nucleotide variant.
Coding change: c.3487C>T on transcript NM_001378454.1 (MANE Select); coding-DNA position 3487, C replaced by T.
Protein change: p.His1163Tyr; replaces histidine 1163 with tyrosine.
Molecular consequence: missense variant.
Genome position (GRCh38, 1-based): chr2:73,450,014, C>T. VCF-style: chr2-73450014-C-T. GRCh37 (hg19) VCF-style: chr2-73677141-C-T.
Other names: c.3490C>T, p.His1164Tyr (NM_015120.4); short protein forms H1163Y, H1164Y.
Identifiers: ClinVar variation 2634231 (VCV002634231.1), dbSNP rs1671895159, ClinGen allele CA347275757.